The following is an entry in ClinVar:

ClinVar aggregate classification (germline): Uncertain significance. Review status: criteria provided, multiple submitters, no conflicts (2 of 4 stars). 2 submissions from 2 submitters: Uncertain significance (2). Last evaluated 2025-12-16.

Conditions:
Neurofibromatosis, type 1 (NF1). Also called: Neurofibromatosis, type I; Peripheral type neurofibromatosis; VON RECKLINGHAUSEN DISEASE; NEUROFIBROMATOSIS, TYPE I, SOMATIC. Identifiers: Orphanet 636, MedGen C0027831, MONDO:0018975, OMIM 162200. Disease mechanism: loss of function.
Hereditary cancer-predisposing syndrome. Also called: Neoplastic Syndromes, Hereditary; Hereditary Cancer Syndrome; Hereditary neoplastic syndrome; Tumor predisposition. Identifiers: Orphanet 140162, MedGen C0027672, MeSH D009386, MONDO:0015356.
Cardiovascular phenotype. Identifiers: MedGen CN230736.

Submissions (2):

Labcorp Genetics (formerly Invitae), Labcorp
Classification: Uncertain significance for Neurofibromatosis, type 1. Last evaluated: 2025-12-16. Review status: criteria provided, single submitter. Criteria: Invitae Variant Classification Sherloc (09022015). Collection method: clinical testing. Allele origin: germline.
Comment: This sequence change replaces glycine, which is neutral and non-polar, with alanine, which is neutral and non-polar, at codon 1417 of the NF1 protein (p.Gly1417Ala). This variant is not present in population databases (gnomAD no frequency). This variant has not been reported in the literature in individuals affected with NF1-related conditions. ClinVar contains an entry for this variant (Variation ID: 824723). Invitae Evidence Modeling of protein sequence and biophysical properties (such as structural, functional, and spatial information, amino acid conservation, physicochemical variation, residue mobility, and thermodynamic stability) indicates that this missense variant is expected to disrupt NF1 protein function with a positive predictive value of 95%. In summary, the available evidence is currently insufficient to determine the role of this variant in disease. Therefore, it has been classified as a Variant of Uncertain Significance.

Ambry Genetics
Classification: Uncertain significance for Cardiovascular phenotype; Hereditary cancer-predisposing syndrome. Last evaluated: 2024-01-17. Review status: criteria provided, single submitter. Criteria: Ambry Variant Classification Scheme 2023. Collection method: clinical testing. Allele origin: germline.
Comment: The p.G1417A variant (also known as c.4250G>C), located in coding exon 31 of the NF1 gene, results from a G to C substitution at nucleotide position 4250. The glycine at codon 1417 is replaced by alanine, an amino acid with similar properties. This amino acid position is highly conserved in available vertebrate species. In addition, this alteration is predicted to be deleterious by in silico analysis. Since supporting evidence is limited at this time, the clinical significance of this alteration remains unclear.

NM_001042492.3(NF1):c.4313G>C (p.Gly1438Ala)

Gene: NF1 (neurofibromin 1; plus strand). Cytogenetic location: 17q11.2.
Variant type: single nucleotide variant.
Coding change: c.4313G>C on transcript NM_001042492.3 (MANE Select); coding-DNA position 4313, G replaced by C.
Protein change: p.Gly1438Ala; replaces glycine 1438 with alanine.
Molecular consequence: missense variant.
Genome position (GRCh38, 1-based): chr17:31,258,483, G>C. VCF-style: chr17-31258483-G-C. GRCh37 (hg19) VCF-style: chr17-29585501-G-C.
Other names: c.4250G>C, p.Gly1417Ala (NM_000267.4); short protein forms G1417A, G1438A.
Identifiers: ClinVar variation 824723 (VCV000824723.9), dbSNP rs748901190, ClinGen allele CA398998113.
Genomic context (GRCh38, chr17:31,258,483, plus strand): 5'-TTGTCTCACCGTATGAAGCAGGGATTTTAGATAAAAAGCCACCACCTAGAATCGAAAGGG[G>C]CTTGAAGTTAATGTCAAAGGTGAATTATTTTGATAATCTAGCTATCTTAAATTCCCCTTC-3'
Protein context (NP_001035957.1, residues 1428-1448): DKKPPPRIER[Gly1438Ala]LKLMSKILQS